The following is an entry in ClinVar:

ClinVar aggregate classification (germline): Pathogenic/Likely pathogenic. Review status: criteria provided, multiple submitters, no conflicts (2 of 4 stars). 3 submissions from 3 submitters: Pathogenic (1); Likely pathogenic (2). Last evaluated 2024-11-19.

Conditions:
CTNS-related disorder. Also called: CTNS-related condition.
Ocular cystinosis. Also called: Non-Nephropathic Cystinosis; Non-Nephropathic (Ocular) Cystinosis. Identifiers: Orphanet 213, Orphanet 411641, MedGen C2931013, MONDO:0009064, OMIM 219750.
Juvenile nephropathic cystinosis. Also called: CYSTINOSIS, LATE-ONSET JUVENILE OR ADOLESCENT NEPHROPATHIC TYPE; Intermediate Cystinosis; Later-Onset (Juvenile) Cystinosis. Identifiers: Orphanet 213, Orphanet 411634, MedGen C0268626, MONDO:0009066, OMIM 219900.
Inborn genetic diseases. Identifiers: MedGen C0950123, MeSH D030342.
Nephropathic cystinosis (CTNS). Also called: Abderhalden Lignac Kaufmann disease; Abderhalden-Kaufmann-Lignac syndrome; CYSTINOSIN, DEFECT OF; LYSOSOMAL CYSTINE TRANSPORT PROTEIN, DEFECT OF. Identifiers: Orphanet 213, Orphanet 411629, MedGen C2931187, MONDO:0100151, OMIM 219800.

Submissions (3):

PreventionGenetics, part of Exact Sciences
Classification: Likely pathogenic for CTNS-related condition. Last evaluated: 2024-11-19. Review status: criteria provided, single submitter. Criteria: ACMG Guidelines, 2015. Collection method: clinical testing. Allele origin: germline.
Comment: The CTNS c.646_647insAA variant is predicted to result in a frameshift and premature protein termination (p.Thr216Lysfs*3). To our knowledge, this variant has not been reported in the literature or in a large population database (gnomAD), indicating this variant is rare. Frameshift variants in CTNS are expected to be pathogenic. This variant is interpreted as likely pathogenic.

Labcorp Genetics (formerly Invitae), Labcorp
Classification: Pathogenic for Inborn genetic diseases; Ocular cystinosis; Juvenile nephropathic cystinosis. Last evaluated: 2023-10-04. Review status: criteria provided, single submitter. Criteria: Invitae Variant Classification Sherloc (09022015). Collection method: clinical testing. Allele origin: germline.
Comment: This sequence change creates a premature translational stop signal (p.Thr216Lysfs*3) in the CTNS gene. It is expected to result in an absent or disrupted protein product. Loss-of-function variants in CTNS are known to be pathogenic (PMID: 9537412, 27102039). This variant is not present in population databases (gnomAD no frequency). This variant has not been reported in the literature in individuals affected with CTNS-related conditions. For these reasons, this variant has been classified as Pathogenic.

Baylor Genetics
Classification: Likely pathogenic for Nephropathic cystinosis. Last evaluated: 2023-01-28. Review status: criteria provided, single submitter. Criteria: ACMG Guidelines, 2015. Collection method: clinical testing. Allele origin: unknown.

Literature cited by the submitters: PubMed 9537412 (cited by Labcorp Genetics (formerly Invitae), Labcorp); PubMed 27102039 (cited by Labcorp Genetics (formerly Invitae), Labcorp).

NM_004937.3(CTNS):c.646_647insAA (p.Thr216fs)

Genes: CTNS-AS1 (CTNS antisense RNA 1; minus strand), CTNS (cystinosin, lysosomal cystine transporter; plus strand). Cytogenetic location: 17p13.2.
Variant type: Insertion.
Coding change: c.646_647insAA on transcript NM_004937.3 (MANE Select); coding-DNA positions 646 to 647, AA inserted.
Protein change: p.Thr216fs; shifts the reading frame from threonine 216.
Molecular consequence: frameshift variant.
Genome position: GRCh38 VCF-style: chr17-3656759-C-CAA. GRCh37 (hg19) VCF-style: chr17-3560053-C-CAA.
Other names: c.646_647insAA (NM_001031681.2); c.646_647insAA, p.Thr216fs (NM_001374492.1, NM_001031681.3); c.205_206insAA, p.Thr69fs (NM_001374493.1, NM_001374494.1, NM_001374495.1 and 1 more transcripts); short protein forms T216fs, T69fs.
Identifiers: ClinVar variation 2681024 (VCV002681024.5), dbSNP rs893207601, ClinGen allele CA287017856.